The following is an entry in ClinVar:

NM_003000.3(SDHB):c.286+1G>A

Gene: SDHB (succinate dehydrogenase complex iron sulfur subunit B; minus strand). Cytogenetic location: 1p36.13.
Variant type: single nucleotide variant.
Coding change: c.286+1G>A on transcript NM_003000.3 (MANE Select); the canonical splice donor site of the intron after coding-DNA position 286, G replaced by A.
Molecular consequence: splice donor variant.
Genome position (GRCh38, 1-based): chr1:17,033,059, C>T on the plus strand (G>A on the coding strand, the complement: SDHB is on the minus strand). VCF-style: chr1-17033059-C-T. GRCh37 (hg19) VCF-style: chr1-17359554-C-T.
Other names: c.286+1G>A (NM_001407361.1).
Identifiers: ClinVar variation 183757 (VCV000183757.27), dbSNP rs786201063, ClinGen allele CA015681.

ClinVar aggregate classification (germline): Pathogenic. Review status: criteria provided, multiple submitters, no conflicts (2 of 4 stars). 9 submissions from 9 submitters: Pathogenic (8). 1 of the submissions does not count toward it. Last evaluated 2025-10-21.

Conditions:
Inherited phaeochromocytoma and paraganglioma excluding NF1.
Gastrointestinal stromal tumor. Also called: Gastrointestinal stromal tumor, somatic; Gastrointestinal stroma tumor. Identifiers: Orphanet 44890, MedGen C0238198, MeSH D046152, MONDO:0011719, OMIM 606764, HP:0100723.
Pheochromocytoma/paraganglioma syndrome 4. Also called: CAROTID BODY TUMORS AND MULTIPLE EXTRAADRENAL PHEOCHROMOCYTOMAS; SDHB-Related Hereditary Paraganglioma-Pheochromocytoma Syndrome (Paragangliomas 4); SDHB-Related Hereditary Paraganglioma-Pheochromocytoma Syndrome; PARAGANGLIOMA, FAMILIAL MALIGNANT; PARAGANGLIOMAS, HEREDITARY EXTRAADRENAL; PHEOCHROMOCYTOMA, FAMILIAL EXTRAADRENAL. Identifiers: Orphanet 29072, MedGen C1861848, MONDO:0007273, OMIM 115310.
Pheochromocytoma. Also called: MAX-Related Hereditary Paraganglioma-Pheochromocytoma Syndrome. Identifiers: Orphanet 29072, MedGen C0031511, MONDO:0008233, OMIM 171300, HP:0002666.
Hereditary cancer-predisposing syndrome. Also called: Hereditary Cancer Syndrome; Tumor predisposition; Neoplastic Syndromes, Hereditary; Hereditary neoplastic syndrome. Identifiers: Orphanet 140162, MedGen C0027672, MeSH D009386, MONDO:0015356.
Hereditary pheochromocytoma and paraganglioma. Also called: Hereditary paragangliomas and pheochromocytomas; Hereditary Paraganglioma-Pheochromocytoma Syndromes; Hereditary pheochromocytoma-paraganglioma. Identifiers: Orphanet 29072, MedGen C4274332, MONDO:0017366.

Submissions (9):

NHS Central & South Genomic Laboratory Hub
Classification: Pathogenic for Inherited phaeochromocytoma and paraganglioma excluding NF1. Last evaluated: 2025-10-21. Review status: criteria provided, single submitter. Criteria: ACMG Guidelines, 2015. Collection method: clinical testing. Allele origin: germline. Affected: yes.

Ambry Genetics
Classification: Pathogenic for Hereditary cancer-predisposing syndrome. Last evaluated: 2025-09-17. Review status: criteria provided, single submitter. Criteria: Ambry Variant Classification Scheme 2023. Collection method: clinical testing. Allele origin: germline.
Comment: The c.286+1G>A intronic pathogenic mutation results from a G to A substitution one nucleotide after coding exon 3 of the SDHB gene. This pathogenic variant has been reported in multiple unrelated individuals diagnosed with paragangliomas/pheochromocytomas (Brouwers FM et al. J. Clin. Endocrinol. Metab. 2006 Nov;91:4505-9; Timmers HJ et al. J. Clin. Endocrinol. Metab. 2007 Mar;92:779-86; Isobe K et al. Horm. Res. 2007 Feb;68:68-71; Pandit R et al. Eur. J. Endocrinol. 2016 Oct;175:311-23; Timmers HJ et al. J Clin Oncol, 2007 Jun;25:2262-9). In silico splice site analysis predicts that this alteration will weaken the native splice donor site. Alterations that disrupt the canonical splice site are expected to cause aberrant splicing, resulting in an abnormal protein or a transcript that is subject to nonsense-mediated mRNA decay. This nucleotide position is highly conserved in available vertebrate species. This variant is considered to be rare based on population cohorts in the Genome Aggregation Database (gnomAD). As such, this alteration is classified as a disease-causing mutation.

Labcorp Genetics (formerly Invitae), Labcorp
Classification: Pathogenic for Gastrointestinal stromal tumor; Pheochromocytoma/paraganglioma syndrome 4; Pheochromocytoma. Last evaluated: 2025-08-17. Review status: criteria provided, single submitter. Criteria: Invitae Variant Classification Sherloc (09022015). Collection method: clinical testing. Allele origin: germline.
Comment: This sequence change affects a donor splice site in intron 3 of the SDHB gene. It is expected to disrupt RNA splicing. Variants that disrupt the donor or acceptor splice site typically lead to a loss of protein function (PMID: 16199547), and loss-of-function variants in SDHB are known to be pathogenic (PMID: 19454582, 19802898). This variant is not present in population databases (gnomAD no frequency). Disruption of this splice site has been observed in individuals with paraganglioma (PMID: 16912137, 17308434, 27539324). This variant is also known as IVS3+1 G>A. ClinVar contains an entry for this variant (Variation ID: 183757). Studies have shown that disruption of this splice site is associated with inconclusive levels of altered splicing (internal data). For these reasons, this variant has been classified as Pathogenic.

GeneDx
Classification: Pathogenic. Last evaluated: 2024-04-09. Review status: criteria provided, single submitter. Criteria: GeneDx Variant Classification Process June 2021. Collection method: clinical testing. Allele origin: germline. Affected: yes.
Comment: Canonical splice site variant in a gene for which loss-of-function is a known mechanism of disease; Not observed in large population cohorts (gnomAD); This variant is associated with the following publications: (PMID: 19802898, 25525159, 17308434, 16912137, 27539324, 26960314, 28374168, 22517557, 25683602, 17200167, 28152038, 19454582, 29623478, 17102085, 31492822, 34439371)

Myriad Genetics, Inc.
Classification: Pathogenic for Pheochromocytoma/paraganglioma syndrome 4. Last evaluated: 2024-02-08. Review status: criteria provided, single submitter. Criteria: Myriad Autosomal Dominant, Autosomal Recessive and X-Linked Classification Criteria (2023). Collection method: clinical testing. Allele origin: unknown.
Comment: This variant is considered pathogenic. This variant occurs within a consensus splice junction and is predicted to result in abnormal mRNA splicing of either an out-of-frame exon or an in-frame exon necessary for protein stability and/or normal function. This variant has been reported in multiple individuals with clinical features of gene-specific disease [PMID: 30201732, 33391357, 17538171, 27539324].

MGZ Medical Genetics Center
Classification: Pathogenic for Pheochromocytoma/paraganglioma syndrome 4. Last evaluated: 2022-08-25. Review status: criteria provided, single submitter. Criteria: ACMG Guidelines, 2015. Collection method: clinical testing. Allele origin: germline. Affected: yes. Observed: 2 variant alleles.
Comment: ACMG criteria applied: PVS1, PS4_MOD, PM2_SUP

Baylor Genetics
Classification: Pathogenic for Gastrointestinal stromal tumor. Last evaluated: 2022-01-18. Review status: criteria provided, single submitter. Criteria: ACMG Guidelines, 2015. Collection method: clinical testing. Allele origin: unknown.

ARUP Laboratories, Molecular Genetics and Genomics, ARUP Laboratories
Classification: Pathogenic. Last evaluated: 2021-05-13. Review status: criteria provided, single submitter. Criteria: ARUP Molecular Germline Variant Investigation Process 2021. Collection method: clinical testing. Allele origin: germline.
Comment: The SDHB c.286+1G>A variant (rs786201063), also known as IVS3+1G>A, is reported in the literature in multiple individuals affected with paragangliomas and pheochromocytomas (Brouwers 2006, Isobe 2007, Pandit 2016, Timmers 2007). This variant is reported in ClinVar (Variation ID: 183757). This variant is absent from the Genome Aggregation Database, indicating it is not a common polymorphism. This variant disrupts the canonical splice donor site of intron three, which is likely to negatively impact gene function. Based on available information, this variant is considered to be pathogenic. References: Brouwers FM et al. High frequency of SDHB germline mutations in patients with malignant catecholamine-producing paragangliomas: implications for genetic testing. J Clin Endocrinol Metab. 2006 Nov;91(11):4505-9. PMID: 16912137. Isobe K et al. Novel germline mutations in the SDHB and SDHD genes in Japanese pheochromocytomas. Horm Res. 2007;68(2):68-71. PMID: 17308434. Pandit R et al. Germline mutations and genotype-phenotype correlation in Asian Indian patients with pheochromocytoma and paraganglioma. Eur J Endocrinol. 2016 Oct;175(4):311-23. PMID: 27539324. Timmers HJ et al. Clinical presentations, biochemical phenotypes, and genotype-phenotype correlations in patients with succinate dehydrogenase subunit B-associated pheochromocytomas and paragangliomas. J Clin Endocrinol Metab. 2007 Mar;92(3):779-86. PMID: 17200167.

Section on Medical Neuroendocrinolgy, National Institutes of Health
Classification: Pathogenic for Hereditary pheochromocytoma and paraganglioma. Review status: no assertion criteria provided. Collection method: research. Allele origin: germline. Affected: yes. Not counted in ClinVar's aggregate classification.

Literature cited by the submitters: PubMed 16912137 (cited by Ambry Genetics and Labcorp Genetics (formerly Invitae), Labcorp); PubMed 17200167 (cited by Ambry Genetics); PubMed 17308434 (cited by Ambry Genetics and Labcorp Genetics (formerly Invitae), Labcorp); PubMed 17538171 (cited by Ambry Genetics and Myriad Genetics, Inc.); PubMed 27539324 (cited by 3 submitters); PubMed 16199547 (cited by Labcorp Genetics (formerly Invitae), Labcorp); PubMed 19454582 (cited by Labcorp Genetics (formerly Invitae), Labcorp); PubMed 19802898 (cited by Labcorp Genetics (formerly Invitae), Labcorp); PubMed 30201732 (cited by Myriad Genetics, Inc.); PubMed 33391357 (cited by Myriad Genetics, Inc.).